The following is an entry in ClinVar:

NM_002880.4(RAF1):c.1279A>G (p.Ser427Gly)

Gene: RAF1 (Raf-1 proto-oncogene, serine/threonine kinase; minus strand). Cytogenetic location: 3p25.2.
Variant type: single nucleotide variant.
Coding change: c.1279A>G on transcript NM_002880.4 (MANE Select); coding-DNA position 1279, A replaced by G.
Protein change: p.Ser427Gly; replaces serine 427 with glycine.
Molecular consequence: missense variant. On other transcripts: non-coding transcript variant (3).
Genome position (GRCh38, 1-based): chr3:12,590,889, T>C on the plus strand (A>G on the coding strand, the complement: RAF1 is on the minus strand). VCF-style: chr3-12590889-T-C. GRCh37 (hg19) VCF-style: chr3-12632388-T-C.
Other names: p.S427G:AGC>GGC; c.1339A>G, p.Ser447Gly (NM_001354689.3); c.1279A>G, p.Ser427Gly (NM_001354690.3); c.1036A>G, p.Ser346Gly (NM_001354691.3, NM_001354692.3); c.1180A>G, p.Ser394Gly (NM_001354693.3); c.1096A>G, p.Ser366Gly (NM_001354694.3); c.937A>G, p.Ser313Gly (NM_001354695.3); short protein forms S427G, S346G, S313G, S366G, S394G, S447G.
Identifiers: ClinVar variation 40616 (VCV000040616.14), dbSNP rs730881002, ClinGen allele CA297127.

ClinVar aggregate classification (germline): Pathogenic/Likely pathogenic. Review status: criteria provided, multiple submitters, no conflicts (2 of 4 stars). 5 submissions from 5 submitters: Pathogenic (4); Likely pathogenic (1). Last evaluated 2024-10-09.

Conditions:
Noonan syndrome and Noonan-related syndrome. Identifiers: Orphanet 98733, MedGen C5681679, MONDO:0020297.
Cardiovascular phenotype. Identifiers: MedGen CN230736.
RASopathy. Also called: Noonan spectrum disorder; rasopathies. Identifiers: Orphanet 536391, MedGen C5555857, MONDO:0021060.
Noonan syndrome 5 (NS5). Also called: RAF1-Related Noonan Syndrome. Identifiers: Orphanet 648, MedGen C1969057, MONDO:0012690, OMIM 611553. Disease mechanism: gain of function.

Submissions (5):

Victorian Clinical Genetics Services, Murdoch Childrens Research Institute
Classification: Pathogenic for Noonan syndrome 5. Last evaluated: 2024-10-09. Review status: criteria provided, single submitter. Criteria: ACMG Guidelines, 2015. Collection method: clinical testing. Allele origin: germline. Affected: yes.
Comment: This variant is classified as Pathogenic. Evidence in support of pathogenic classification: Variant is absent from gnomAD (v2, v3 and v4); This variant has strong previous evidence of pathogenicity in unrelated individuals. This variant has been reported as pathogenic three times and likely pathogenic once in ClinVar. It has been reported in the literature in an individual with Noonan syndrome, with the variant in this individual being inherited from a similarly affected parent (PMID: 20052757); This variant has moderate functional evidence supporting abnormal protein function. Cells expressing this variant were found to enhance ERK transactivation, suggesting a gain of function effect for this variant (PMID: 20052757); Missense variant predicted to be damaging by an in silico tool or highly conserved with a major amino acid change; Additional information: Variant is predicted to result in a missense amino acid change from serine to glycine; This variant is heterozygous; This gene is associated with autosomal dominant disease; Segregation evidence for this variant is inconclusive. No comparable missense variants have previous evidence for pathogenicity; Variant is located in the annotated protein kinase domain (DECIPHER); Loss of function and gain of function are known mechanisms of disease in this gene. Gain of function is associated with Noonan (MIM#611553) and LEOPARD syndromes (MIM#2611554), while loss of function is associated with non-HCM-associated variants (PMIDs: 17603483, 17603482).

Ambry Genetics
Classification: Likely pathogenic for Cardiovascular phenotype. Last evaluated: 2024-03-26. Review status: criteria provided, single submitter. Criteria: Ambry Variant Classification Scheme 2023. Collection method: clinical testing. Allele origin: germline.
Comment: The p.S427G variant (also known as c.1279A>G), located in coding exon 11 of the RAF1 gene, results from an A to G substitution at nucleotide position 1279. The serine at codon 427 is replaced by glycine, an amino acid with similar properties. This missense alteration is located in a region that has a low rate of benign missense variation (Lek M et al. Nature. 2016 Aug 18;536(7616):285-91; DECIPHER: Database of Chromosomal Imbalance and Phenotype in Humans using Ensembl Resources. Firth H.V. et al. 2009. Am.J.Hum.Genet. 84, 524-533 (DOI)). This variant was reported in multiple individuals with features consistent with Noonan syndrome, and was reported to segregated with disease features in families (Kobayashi T et al. Hum Mutat, 2010 Mar;31:284-94; Pelc M et al. Genet Couns, 2016;27:325-333; Bessis D et al. Br J Dermatol, 2019 Jun;180:1438-1448; Ambry internal data). This variant was also reportedly detected de novo in the germline of an individual who developed therapy-related acute myeloid leukemia; however, clinical details with regard to features of Noonan syndrome were not provided (Zebisch A et al. Cancer Res, 2006 Apr;66:3401-8). In multiple assays testing RAF1 function, this variant showed functionally abnormal results (Zebisch A et al. Leukemia, 2009 Jun;23:1049-53; Kobayashi T et al. Hum Mutat, 2010 Mar;31:284-94). This amino acid position is highly conserved in available vertebrate species. This alteration is predicted to be deleterious by in silico analysis. In addition, this variant is considered to be rare based on population cohorts in the Genome Aggregation Database (gnomAD). Based on the majority of available evidence to date, this variant is likely to be pathogenic.

Labcorp Genetics (formerly Invitae), Labcorp
Classification: Pathogenic for RASopathy. Last evaluated: 2021-11-14. Review status: criteria provided, single submitter. Criteria: Invitae Variant Classification Sherloc (09022015). Collection method: clinical testing. Allele origin: germline.
Comment: Experimental studies have shown that this missense change affects RAF1 function (PMID: 16585161, 19357705, 20052757). Advanced modeling of protein sequence and biophysical properties (such as structural, functional, and spatial information, amino acid conservation, physicochemical variation, residue mobility, and thermodynamic stability) performed at Invitae indicates that this missense variant is expected to disrupt RAF1 protein function. ClinVar contains an entry for this variant (Variation ID: 40616). This missense change has been observed in individuals with Noonan syndrome and/or RAF1-related conditions (PMID: 16585161, 20052757, 30204961, 30417923). This variant is not present in population databases (gnomAD no frequency). This sequence change replaces serine, which is neutral and polar, with glycine, which is neutral and non-polar, at codon 427 of the RAF1 protein (p.Ser427Gly). For these reasons, this variant has been classified as Pathogenic.

Genome Diagnostics Laboratory, The Hospital for Sick Children
Classification: Pathogenic for Noonan syndrome and Noonan-related syndrome. Last evaluated: 2020-08-05. Review status: criteria provided, single submitter. Criteria: ACMG Guidelines, 2015. Collection method: clinical testing. Allele origin: germline. Affected: yes.

GeneDx
Classification: Pathogenic. Last evaluated: 2014-07-10. Review status: criteria provided, single submitter. Criteria: GeneDx Variant Classification (06012015). Collection method: clinical testing. Allele origin: germline. Affected: yes.
Comment: p.Ser427Gly (AGC>GGC): c.1279 A>G in exon 12 of the RAF1 gene (NM_002880.3). The S427G missense mutation in the RAF1 gene has been reported previously in a Japanese parent-offspring pair with Noonan syndrome, while it was not detected in 210 RAF1 alleles of ethnically matched control individuals (Kobayashi et al., 2010). This mutation was also observed in the germline of a patient with therapy-related acute myeloid leukemia (Zebisch et al., 2006). The mutation is located in the highly conserved protein kinase domain of the C-RAF protein. In vitro and in vivo kinase assays demonstrated that S427G results in a direct activation of the RAF-MEK-ERK signaling pathway due to elevated C-RAF kinase activity (Zebisch et al., 2006). Therefore, the presence of this mutation is consistent with a diagnosis of a Noonan syndrome spectrum disorder. It is important to note that about 80% of individuals with a RAF1 mutation develop hypertrophic cardiomyopathy. The variant is found in NOONAN panel(s).

Literature cited by the submitters: PubMed 20052757 (cited by 3 submitters); PubMed 17603482 (cited by Victorian Clinical Genetics Services, Murdoch Childrens Research Institute); PubMed 17603483 (cited by Victorian Clinical Genetics Services, Murdoch Childrens Research Institute); PubMed 16585161 (cited by Ambry Genetics and Labcorp Genetics (formerly Invitae), Labcorp); PubMed 19357705 (cited by Ambry Genetics and Labcorp Genetics (formerly Invitae), Labcorp); PubMed 23933517 (cited by Ambry Genetics); PubMed 24803665 (cited by Ambry Genetics); PubMed 30204961 (cited by Ambry Genetics and Labcorp Genetics (formerly Invitae), Labcorp); PubMed 30417923 (cited by Ambry Genetics and Labcorp Genetics (formerly Invitae), Labcorp).